The following is an entry in ClinVar:

ClinVar aggregate classification (germline): Likely benign. Review status: reviewed by expert panel (3 of 4 stars). 4 submissions from 4 submitters: Likely benign (1). 3 of the submissions do not count toward it. Last evaluated 2017-06-29.

Conditions:
Hereditary cancer-predisposing syndrome. Also called: Hereditary neoplastic syndrome; Hereditary Cancer Syndrome; Neoplastic Syndromes, Hereditary; Tumor predisposition. Identifiers: Orphanet 140162, MedGen C0027672, MeSH D009386, MONDO:0015356.
Breast-ovarian cancer, familial, susceptibility to, 2 (BROVCA2). Also called: BRCA2 Hereditary Breast and Ovarian Cancer. Identifiers: Orphanet 145, MedGen C2675520, MONDO:0012933, OMIM 612555. Disease mechanism: loss of function.
Hereditary breast ovarian cancer syndrome. Also called: Hereditary breast and ovarian cancer syndrome; BRCA1- and BRCA2-Associated Hereditary Breast and Ovarian Cancer; Hereditary breast and/or ovarian cancer syndrome; Hereditary breast and ovarian cancer; Breast and ovarian cancer; Hereditary breast and ovarian cancer syndrome (HBOC). Identifiers: Orphanet 145, MedGen C0677776, MeSH D061325, MONDO:0003582. Disease mechanism: loss of function.

Allele frequency attached by ClinVar (database versions not stated): gnomAD 0.00001; gnomAD exomes 0.00001 and 0.00003; ExAC 0.00002; 1000 Genomes Project 0.00020; 1000 Genomes Project 30x 0.00031.
gnomAD v4.1: 12 of 1,613,622 alleles (0.00074%); highest among the groups gnomAD compares: South Asian, 0.013%; no homozygotes.

Submissions (4):

Evidence-based Network for the Interpretation of Germline Mutant Alleles (ENIGMA)
Classification: Likely benign for Breast-ovarian cancer, familial, susceptibility to, 2. Last evaluated: 2017-06-29. Review status: reviewed by expert panel. Criteria: ENIGMA BRCA1/2 Classification Criteria (2017-06-29). Collection method: curation. Allele origin: germline.
Comment: Synonymous substitution variant, with low bioinformatic likelihood to result in a splicing aberration (Splicing prior probability 0.02).

Color Diagnostics, LLC DBA Color Health
Classification: Likely benign for Hereditary cancer-predisposing syndrome. Last evaluated: 2025-05-25. Review status: criteria provided, single submitter. Criteria: ACMG Guidelines, 2015. Collection method: clinical testing. Allele origin: germline. Not counted in ClinVar's aggregate classification.

Labcorp Genetics (formerly Invitae), Labcorp
Classification: Likely benign for Hereditary breast ovarian cancer syndrome. Last evaluated: 2024-02-19. Review status: criteria provided, single submitter. Criteria: Invitae Variant Classification Sherloc (09022015). Collection method: clinical testing. Allele origin: germline. Not counted in ClinVar's aggregate classification.

Ambry Genetics
Classification: Likely benign for Hereditary cancer-predisposing syndrome. Last evaluated: 2019-02-28. Review status: criteria provided, single submitter. Criteria: Ambry Variant Classification Scheme 2023. Collection method: clinical testing. Allele origin: germline. Not counted in ClinVar's aggregate classification.

NM_000059.4(BRCA2):c.7098G>A (p.Leu2366=)

Gene: BRCA2 (BRCA2 DNA repair associated; plus strand). Cytogenetic location: 13q13.1.
Variant type: single nucleotide variant.
Coding change: c.7098G>A on transcript NM_000059.4 (MANE Select); coding-DNA position 7098, G replaced by A.
Protein change: p.Leu2366=; no amino-acid change (leucine 2366 retained).
Molecular consequence: synonymous variant.
Genome position (GRCh38, 1-based): chr13:32,354,951, G>A. VCF-style: chr13-32354951-G-A. GRCh37 (hg19) VCF-style: chr13-32929088-G-A.
Identifiers: ClinVar variation 427500 (VCV000427500.12), dbSNP rs570826002, ClinGen allele CA6941057.
Genomic context (GRCh38, chr13:32,354,951, plus strand): 5'-TCCAAATTTTACCGCACCTGGTCAAGAATTTCTGTCTAAATCTCATTTGTATGAACATCT[G>A]ACTTTGGAAAAATCTTCAAGCAATTTAGCAGTTTCAGGACATCCATTTTATCAAGTTTCT-3'
Protein context (NP_000050.3, residues 2356-2376): FLSKSHLYEH[Leu2366=]TLEKSSSNLA